The following is an entry in ClinVar:

NM_000051.4(ATM):c.1478G>A (p.Arg493His)

Gene: ATM (ATM serine/threonine kinase; plus strand). Cytogenetic location: 11q22.3.
Variant type: single nucleotide variant.
Coding change: c.1478G>A on transcript NM_000051.4 (MANE Select); coding-DNA position 1478, G replaced by A.
Protein change: p.Arg493His; replaces arginine 493 with histidine.
Molecular consequence: missense variant.
Genome position (GRCh38, 1-based): chr11:108,250,943, G>A. VCF-style: chr11-108250943-G-A. GRCh37 (hg19) VCF-style: chr11-108121670-G-A.
Other names: c.1478G>A, p.Arg493His (NM_001351834.2); short protein forms R493H.
Identifiers: ClinVar variation 582590 (VCV000582590.14), dbSNP rs1565383235, ClinGen allele CA382534182.
Genomic context (GRCh38, chr11:108,250,943, plus strand): 5'-AAAGCTCACAAAAGTCAGATTTATTAAAACTCTGGAATAAAATTTGGTGTATTACCTTTC[G>A]TGGTATAAGTTCTGAGCAAATACAAGCTGAAAACTTTGGCTTACTTGGAGCCATAATTCA-3'
Protein context (NP_000042.3, residues 483-503): LWNKIWCITF[Arg493His]GISSEQIQAE

ClinVar aggregate classification (germline): Uncertain significance. Review status: criteria provided, multiple submitters, no conflicts (2 of 4 stars). 3 submissions from 3 submitters: Uncertain significance (3). Last evaluated 2024-03-06.

Conditions:
Hereditary cancer-predisposing syndrome. Also called: Neoplastic Syndromes, Hereditary; Hereditary Cancer Syndrome; Tumor predisposition; Hereditary neoplastic syndrome. Identifiers: Orphanet 140162, MedGen C0027672, MeSH D009386, MONDO:0015356.
Ataxia-telangiectasia syndrome (AT). Also called: Ataxia-telangiectasia, complementation group D; AT, COMPLEMENTATION GROUP C; Ataxia-telangiectasia, complementation group E; Cerebello-oculocutaneous telangiectasia; Immunodeficiency with ataxia telangiectasia; ATAXIA-TELANGIECTASIA, COMPLEMENTATION GROUP A. Identifiers: Orphanet 100, MedGen C0004135, MONDO:0008840, OMIM 208900.

Submissions (3):

Color Diagnostics, LLC DBA Color Health
Classification: Uncertain significance for Hereditary cancer-predisposing syndrome. Last evaluated: 2024-03-06. Review status: criteria provided, single submitter. Criteria: ACMG Guidelines, 2015. Collection method: clinical testing. Allele origin: germline.
Comment: This missense variant replaces arginine with histidine at codon 493 of the ATM protein. Computational prediction suggests that this variant may not impact protein structure and function (internally defined REVEL score threshold <= 0.5, PMID: 27666373). Splice site prediction tools suggest that this variant may not impact RNA splicing. To our knowledge, functional studies have not been performed for this variant. This variant has not been reported in individuals affected with hereditary cancer in the literature. This variant has not been identified in the general population by the Genome Aggregation Database (gnomAD). The available evidence is insufficient to determine the role of this variant in disease conclusively. Therefore, this variant is classified as a Variant of Uncertain Significance.

Sema4
Classification: Uncertain significance for Hereditary cancer-predisposing syndrome. Last evaluated: 2021-11-27. Review status: criteria provided, single submitter. Criteria: Sema4 Curation Guidelines. Collection method: curation. Allele origin: germline.
Comment: The ATM c.1478G>A (p.R493H) variant has not been reported in the literature to our knowledge. It was not observed in the large and broad cohorts of the Genome Aggregation Database (PMID: 32461654). The variant has been reported in ClinVar (Variation ID: 582590). Functional studies have not been performed, and in silico predictions of the variant's effect on protein function are inconclusive. The evidence is insufficient to meet ACMG/AMP criteria for classifying the variant as benign or pathogenic. Thus, the clinical significance of this variant is currently uncertain.

Labcorp Genetics (formerly Invitae), Labcorp
Classification: Uncertain significance for Ataxia-telangiectasia syndrome. Last evaluated: 2018-05-16. Review status: criteria provided, single submitter. Criteria: Invitae Variant Classification Sherloc (09022015). Collection method: clinical testing. Allele origin: germline.
Comment: In summary, the available evidence is currently insufficient to determine the role of this variant in disease. Therefore, it has been classified as a Variant of Uncertain Significance. Algorithms developed to predict the effect of missense changes on protein structure and function are either unavailable or do not agree on the potential impact of this missense change (SIFT: "Deleterious"; PolyPhen-2: "Possibly Damaging"; Align-GVGD: "Class C0"). This variant has not been reported in the literature in individuals with ATM-related disease. This variant is not present in population databases (ExAC no frequency). This sequence change replaces arginine with histidine at codon 493 of the ATM protein (p.Arg493His). The arginine residue is highly conserved and there is a small physicochemical difference between arginine and histidine.